The following is an entry in ClinVar:

ClinVar aggregate classification (germline): Uncertain significance (1 of 4 stars; one submission).

Submission:

Labcorp Genetics (formerly Invitae), Labcorp
Classification: Uncertain significance. Last evaluated: 2025-10-18. Review status: criteria provided, single submitter. Criteria: Invitae Variant Classification Sherloc (09022015). Collection method: clinical testing. Allele origin: germline.
Comment: This sequence change replaces tyrosine, which is neutral and polar, with histidine, which is basic and polar, at codon 300 of the TOP3A protein (p.Tyr300His). This variant is not present in population databases (gnomAD no frequency). This variant has not been reported in the literature in individuals affected with TOP3A-related conditions. An algorithm developed to predict the effect of missense changes on protein structure and function (PolyPhen-2) suggests that this variant is likely to be disruptive. In summary, the available evidence is currently insufficient to determine the role of this variant in disease. Therefore, it has been classified as a Variant of Uncertain Significance.

NM_004618.5(TOP3A):c.898T>C (p.Tyr300His)

Gene: TOP3A (DNA topoisomerase III alpha; minus strand). Cytogenetic location: 17p11.2.
Variant type: single nucleotide variant.
Coding change: c.898T>C on transcript NM_004618.5 (MANE Select); coding-DNA position 898, T replaced by C.
Protein change: p.Tyr300His; replaces tyrosine 300 with histidine.
Molecular consequence: missense variant.
Genome position (GRCh38, 1-based): chr17:18,301,902, A>G on the plus strand (T>C on the coding strand, the complement: TOP3A is on the minus strand). VCF-style: chr17-18301902-A-G. GRCh37 (hg19) VCF-style: chr17-18205216-A-G.
Other names: c.613T>C, p.Tyr205His (NM_001320759.2); short protein forms Y205H, Y300H.
Identifiers: ClinVar variation 4770378 (VCV004770378.1).
Genomic context (GRCh38, chr17:18,301,902, plus strand): 5'-GGGAGGTGTGCAGAATGTTTCCTAGATCATTAGGGGTTCTTACCTCCACACACAACTGAT[A>G]GAGAACTAGGCAAGCCGTGTGGTTAAAGAGTCGATGCCTTTTCCAGTTGAATTCTACGAT-3'
Protein context (NP_004609.1, residues 290-310): LFNHTACLVL[Tyr300His]QLCVEDPMAT